The following is an entry in ClinVar:

NM_016529.6(ATP8A2):c.3110C>T (p.Thr1037Ile)

Gene: ATP8A2 (ATPase phospholipid transporting 8A2). Cytogenetic location: 13q12.13.
Variant type: single nucleotide variant.
Coding change: c.3110C>T on transcript NM_016529.6 (MANE Select); coding-DNA position 3110, C replaced by T.
Protein change: p.Thr1037Ile; replaces threonine 1037 with isoleucine.
Molecular consequence: missense variant.
Genome position (GRCh38, 1-based): chr13:25,862,335, C>T. VCF-style: chr13-25862335-C-T. GRCh37 (hg19) VCF-style: chr13-26436473-C-T.
Other names: c.2915C>T, p.Thr972Ile (NM_001313741.1); c.3035C>T, p.Thr1012Ile (NM_001411005.1); c.3110C>T, p.Thr1037Ile (NM_001411006.1); short protein forms T1012I, T972I, T1037I.
Identifiers: ClinVar variation 1952447 (VCV001952447.5), dbSNP rs1025554647, ClinGen allele CA247311710.

ClinVar aggregate classification (germline): Uncertain significance (1 of 4 stars; one submission).

gnomAD v4.1: 1 of 1,614,144 alleles (0.000062%); no homozygotes.

Submission:

Labcorp Genetics (formerly Invitae), Labcorp
Classification: Uncertain significance. Last evaluated: 2022-06-04. Review status: criteria provided, single submitter. Criteria: Invitae Variant Classification Sherloc (09022015). Collection method: clinical testing. Allele origin: germline.
Comment: This sequence change replaces threonine, which is neutral and polar, with isoleucine, which is neutral and non-polar, at codon 1037 of the ATP8A2 protein (p.Thr1037Ile). This variant is not present in population databases (gnomAD no frequency). This variant has not been reported in the literature in individuals affected with ATP8A2-related conditions. Algorithms developed to predict the effect of missense changes on protein structure and function output the following: SIFT: "Tolerated"; PolyPhen-2: "Benign"; Align-GVGD: "Class C0". The isoleucine amino acid residue is found in multiple mammalian species, which suggests that this missense change does not adversely affect protein function. In summary, the available evidence is currently insufficient to determine the role of this variant in disease. Therefore, it has been classified as a Variant of Uncertain Significance.